The following is an entry in ClinVar:

NM_001267550.2(TTN):c.103204C>T (p.Pro34402Ser)

Genes: TTN-AS1 (TTN antisense RNA 1; plus strand), TTN (titin; minus strand). Cytogenetic location: 2q31.2.
Variant type: single nucleotide variant.
Coding change: c.103204C>T on transcript NM_001267550.2 (MANE Select); coding-DNA position 103204, C replaced by T.
Protein change: p.Pro34402Ser; replaces proline 34402 with serine.
Molecular consequence: missense variant.
Genome position (GRCh38, 1-based): chr2:178,533,411, G>A on the plus strand (C>T on the coding strand, the complement: TTN is on the minus strand). VCF-style: chr2-178533411-G-A. GRCh37 (hg19) VCF-style: chr2-179398138-G-A.
Other names: c.98281C>T, p.Pro32761Ser (NM_001256850.1); c.76009C>T, p.Pro25337Ser (NM_003319.4); c.95500C>T, p.Pro31834Ser (NM_133378.4); c.76384C>T, p.Pro25462Ser (NM_133432.3); c.76585C>T, p.Pro25529Ser (NM_133437.4); short protein forms P25337S, P25529S, P31834S, P34402S, P32761S, P25462S.
Identifiers: ClinVar variation 1379817 (VCV001379817.8), dbSNP rs1361480669, ClinGen allele CA349414793.

ClinVar aggregate classification (germline): Uncertain significance. Review status: criteria provided, multiple submitters, no conflicts (2 of 4 stars). 2 submissions from 2 submitters: Uncertain significance (2). Last evaluated 2025-08-18.

Conditions:
Cardiovascular phenotype. Identifiers: MedGen CN230736.
Dilated cardiomyopathy 1G (CMD1G). Identifiers: Orphanet 154, MedGen C1858763, MONDO:0011400, OMIM 604145.
Autosomal recessive limb-girdle muscular dystrophy type 2J (LGMDR10). Also called: MUSCULAR DYSTROPHY, LIMB-GIRDLE, AUTOSOMAL RECESSIVE 10; Limb-girdle muscular dystrophy, type 2J. Identifiers: Orphanet 140922, MedGen C1837342, MONDO:0012127, OMIM 608807.

Allele frequency attached by ClinVar (database versions not stated): gnomAD exomes below 0.00001; TOPMed below 0.00001.
gnomAD v4.1: 1 of 1,613,782 alleles (0.000062%); highest among the groups gnomAD compares: South Asian, 0.0011%; no homozygotes.

Submissions (2):

Labcorp Genetics (formerly Invitae), Labcorp
Classification: Uncertain significance for Dilated cardiomyopathy 1G; Autosomal recessive limb-girdle muscular dystrophy type 2J. Last evaluated: 2025-08-18. Review status: criteria provided, single submitter. Criteria: Invitae Variant Classification Sherloc (09022015). Collection method: clinical testing. Allele origin: germline.
Comment: This sequence change replaces proline with serine at codon 34402 of the TTN protein (p.Pro34402Ser). There is a moderate physicochemical difference between proline and serine. This variant is not present in population databases (gnomAD no frequency). This variant has not been reported in the literature in individuals affected with TTN-related conditions. ClinVar contains an entry for this variant (Variation ID: 1379817). Experimental studies and prediction algorithms are not available or were not evaluated, and the functional significance of this variant is currently unknown. This variant is located in the M band of TTN (PMID: 25589632). Non-truncating variants in this region may be relevant for neuromuscular disorders, but have not been definitively shown to cause cardiomyopathy (PMID: 23975875). In summary, the available evidence is currently insufficient to determine the role of this variant in disease. Therefore, it has been classified as a Variant of Uncertain Significance.

Ambry Genetics
Classification: Uncertain significance for Cardiovascular phenotype. Last evaluated: 2020-06-15. Review status: criteria provided, single submitter. Criteria: Ambry Variant Classification Scheme 2023. Collection method: clinical testing. Allele origin: germline.
Comment: The p.P25337S variant (also known as c.76009C>T), located in coding exon 185 of the TTN gene, results from a C to T substitution at nucleotide position 76009. The proline at codon 25337 is replaced by serine, an amino acid with similar properties. This amino acid position is well conserved in available vertebrate species. In addition, this alteration is predicted to be tolerated by in silico analysis. Since supporting evidence is limited at this time, the clinical significance of this alteration remains unclear.

Literature cited by the submitters: PubMed 25589632 (cited by Labcorp Genetics (formerly Invitae), Labcorp); PubMed 23975875 (cited by Labcorp Genetics (formerly Invitae), Labcorp).